The following is an entry in ClinVar:

NM_001276270.2(MBD4):c.570GCC[1] (p.Pro192del)

Gene: MBD4 (methyl-CpG binding domain 4, DNA glycosylase; minus strand). Cytogenetic location: 3q21.3.
Variant type: Microsatellite.
Coding change: c.570GCC[1] on transcript NM_001276270.2 (MANE Select); one copy of the 3-base unit GCC starting at c.570; the reference has two copies in a row; one copy, 3 bases deleted.
Protein change: p.Pro192del; deletes proline 192.
Molecular consequence: inframe deletion. On other transcripts: intron variant (1).
Genome position (GRCh38, 1-based): chr3:129,437,069-129,437,071, GGC deleted on the plus strand (GCC on the coding strand, the reverse complement: MBD4 is on the minus strand); deleting any 3 consecutive bases within chr3:129,437,069-129,437,074 gives the same sequence; the position shown is the placement nearest the transcript's 3' end. VCF-style (leftmost placement, unchanged base first): chr3-129437068-TGGC-T. GRCh37 (hg19) VCF-style: chr3-129155911-TGGC-T.
Other names: c.573_575delGCC (NM_001276270.2); c.570GCC[1], p.Pro192del (NM_001276271.2, NM_001276272.2, NM_003925.3); c.247+737_247+739del (NM_001276273.2); short protein forms P192del.
Identifiers: ClinVar variation 2785764 (VCV002785764.4), dbSNP rs1395801909, ClinGen allele CA546417533.
Genomic context (GRCh38, chr3:129,437,068, plus strand): 5'-CAAATGAGTGGAAGTAAAGTTAGAGAGTCCTCTGCTCTCCTGCAACTCTGAACTACTACT[TGGC>T]GGCATAAACACATCCTTTTTGCACTTGCTTCGGGTCCTGAGGTTCCAGTTTGAATTGTTA-3'

ClinVar aggregate classification (germline): Uncertain significance. Review status: criteria provided, multiple submitters, no conflicts (2 of 4 stars). 2 submissions from 2 submitters: Uncertain significance (2). Last evaluated 2025-05-27.

Conditions:
Inborn genetic diseases. Identifiers: MedGen C0950123, MeSH D030342.

Submissions (2):

Labcorp Genetics (formerly Invitae), Labcorp
Classification: Uncertain significance. Last evaluated: 2025-05-27. Review status: criteria provided, single submitter. Criteria: Invitae Variant Classification Sherloc (09022015). Collection method: clinical testing. Allele origin: germline.
Comment: This variant, c.573_575del, results in the deletion of 1 amino acid(s) of the MBD4 protein (p.Pro192del), but otherwise preserves the integrity of the reading frame. This variant is present in population databases (no rsID available, gnomAD 0.002%). This variant has not been reported in the literature in individuals affected with MBD4-related conditions. Experimental studies and prediction algorithms are not available or were not evaluated, and the functional significance of this variant is currently unknown. In summary, the available evidence is currently insufficient to determine the role of this variant in disease. Therefore, it has been classified as a Variant of Uncertain Significance.

Ambry Genetics
Classification: Uncertain significance for Inborn genetic diseases. Last evaluated: 2024-12-27. Review status: criteria provided, single submitter. Criteria: Ambry Variant Classification Scheme 2023. Collection method: clinical testing. Allele origin: germline.
Comment: The c.573_575delGCC variant (also known as p.P192del) is located in coding exon 3 of the MBD4 gene. This variant results from an in-frame GCC deletion at nucleotide positions 573 to 575. This results in the in-frame deletion of a proline at codon 192. This amino acid position is well conserved in available vertebrate species. In addition, this alteration is predicted to be neutral by in silico analysis (Choi Y et al. PLoS ONE. 2012; 7(10):e46688). Based on the available evidence, the clinical significance of this variant remains unclear.